The following is an entry in ClinVar:

ClinVar aggregate classification (germline): Conflicting classifications of pathogenicity. Review status: criteria provided, conflicting classifications (1 of 4 stars). 4 submissions from 4 submitters: Uncertain significance (2); Likely benign (1). 1 of the submissions does not count toward it. Last evaluated 2023-06-30.

Conditions:
Hereditary cancer-predisposing syndrome. Also called: Tumor predisposition; Neoplastic Syndromes, Hereditary; Hereditary Cancer Syndrome; Hereditary neoplastic syndrome. Identifiers: Orphanet 140162, MedGen C0027672, MeSH D009386, MONDO:0015356.
Ataxia-telangiectasia syndrome (AT). Also called: ATAXIA-TELANGIECTASIA, COMPLEMENTATION GROUP A; ATAXIA-TELANGIECTASIA, FRESNO VARIANT; LOUIS-BAR SYNDROME; Ataxia telangiectasia (A-T); Cerebello-oculocutaneous telangiectasia; Immunodeficiency with ataxia telangiectasia. Identifiers: Orphanet 100, MedGen C0004135, MONDO:0008840, OMIM 208900.

gnomAD v4.1: 1 of 1,609,212 alleles (0.000062%); highest among the groups gnomAD compares: African/African-American, 0.0013%; no homozygotes.

Submissions (4):

Ambry Genetics
Classification: Likely benign for Hereditary cancer-predisposing syndrome. Last evaluated: 2023-06-30. Review status: criteria provided, single submitter. Criteria: Ambry Variant Classification Scheme 2023. Collection method: clinical testing. Allele origin: germline.

Labcorp Genetics (formerly Invitae), Labcorp
Classification: Uncertain significance for Ataxia-telangiectasia syndrome. Last evaluated: 2022-12-21. Review status: criteria provided, single submitter. Criteria: Invitae Variant Classification Sherloc (09022015). Collection method: clinical testing. Allele origin: germline.
Comment: In summary, the available evidence is currently insufficient to determine the role of this variant in disease. Therefore, it has been classified as a Variant of Uncertain Significance. Algorithms developed to predict the effect of missense changes on protein structure and function output the following: SIFT: "Tolerated"; PolyPhen-2: "Benign"; Align-GVGD: "Class C0". The serine amino acid residue is found in multiple mammalian species, which suggests that this missense change does not adversely affect protein function. ClinVar contains an entry for this variant (Variation ID: 628900). This variant has not been reported in the literature in individuals affected with ATM-related conditions. This variant is present in population databases (no rsID available, gnomAD 0.007%). This sequence change replaces arginine, which is basic and polar, with serine, which is neutral and polar, at codon 720 of the ATM protein (p.Arg720Ser).

Color Diagnostics, LLC DBA Color Health
Classification: Uncertain significance for Hereditary cancer-predisposing syndrome. Last evaluated: 2022-02-07. Review status: criteria provided, single submitter. Criteria: ACMG Guidelines, 2015. Collection method: clinical testing. Allele origin: germline.
Comment: This missense variant replaces arginine with serine at codon 720 of the ATM protein. Computational prediction suggests that this variant may not impact protein structure and function (internally defined REVEL score threshold <= 0.5, PMID: 27666373). To our knowledge, functional studies have not been reported for this variant. This variant has not been reported in individuals affected with hereditary cancer in the literature. This variant has been identified in 1/251022 chromosomes in the general population by the Genome Aggregation Database (gnomAD). The available evidence is insufficient to determine the role of this variant in disease conclusively. Therefore, this variant is classified as a Variant of Uncertain Significance.

Natera, Inc.
Classification: Uncertain significance for Ataxia-telangiectasia. Last evaluated: 2020-05-14. Review status: no assertion criteria provided. Collection method: clinical testing. Allele origin: germline. Not counted in ClinVar's aggregate classification.

NM_000051.4(ATM):c.2158C>A (p.Arg720Ser)

Gene: ATM (ATM serine/threonine kinase; plus strand). Cytogenetic location: 11q22.3.
Variant type: single nucleotide variant.
Coding change: c.2158C>A on transcript NM_000051.4 (MANE Select); coding-DNA position 2158, C replaced by A.
Protein change: p.Arg720Ser; replaces arginine 720 with serine.
Molecular consequence: missense variant.
Genome position (GRCh38, 1-based): chr11:108,256,248, C>A. VCF-style: chr11-108256248-C-A. GRCh37 (hg19) VCF-style: chr11-108126975-C-A.
Other names: c.2158C>A, p.Arg720Ser (NM_001351834.2); short protein forms R720S.
Identifiers: ClinVar variation 628900 (VCV000628900.20), dbSNP rs565622131, ClinGen allele CA382538754.
Genomic context (GRCh38, chr11:108,256,248, plus strand): 5'-ATATTTTTATTTGTGGTTTACTTTAAGATTACAAATTCAGAAACTCTTGTCCGGTGTTCA[C>A]GTCTTTTGGTGGGTGTCCTTGGCTGCTACTGTTACATGGGTGTAATAGCTGAAGAGGAAG-3'
Protein context (NP_000042.3, residues 710-730): TNSETLVRCS[Arg720Ser]LLVGVLGCYC